The following is an entry in ClinVar:

NM_015466.4(PTPN23):c.102T>C (p.Tyr34=)

Gene: PTPN23 (protein tyrosine phosphatase non-receptor type 23; plus strand). Cytogenetic location: 3p21.31.
Variant type: single nucleotide variant.
Coding change: c.102T>C on transcript NM_015466.4 (MANE Select); coding-DNA position 102, T replaced by C.
Protein change: p.Tyr34=; no amino-acid change (tyrosine 34 retained).
Molecular consequence: synonymous variant. On other transcripts: 5 prime UTR variant (1).
Genome position (GRCh38, 1-based): chr3:47,396,160, T>C. VCF-style: chr3-47396160-T-C. GRCh37 (hg19) VCF-style: chr3-47437650-T-C.
Other names: c.-149T>C (NM_001304482.2).
Identifiers: ClinVar variation 2653754 (VCV002653754.24), dbSNP rs768062833, ClinGen allele CA2365203.

ClinVar aggregate classification (germline): Likely benign (1 of 4 stars; one submission).

Allele frequency attached by ClinVar (database versions not stated): gnomAD exomes below 0.00001; ExAC 0.00002.
gnomAD v4.1: 5 of 1,613,024 alleles (0.00031%); highest among the groups gnomAD compares: Non-Finnish European, 0.00034%; no homozygotes.

Submission:

CeGaT Center for Human Genetics Tuebingen
Classification: Likely benign. Last evaluated: 2023-05-01. Review status: criteria provided, single submitter. Criteria: CeGaT Center For Human Genetics Tuebingen Variant Classification Criteria Version 2. Collection method: clinical testing. Allele origin: germline. Affected: yes. Observed: 1 variant allele.
Comment: PTPN23: BP4, BP7